The following is an entry in ClinVar:

NM_207037.2(TCF12):c.2025del (p.Glu676fs)

Gene: TCF12 (transcription factor 12; plus strand). Cytogenetic location: 15q21.3.
Variant type: Deletion.
Coding change: c.2025del on transcript NM_207037.2 (MANE Select); coding-DNA position 2025, one base deleted (A; older notation c.2025delA).
Protein change: p.Glu676fs; shifts the reading frame from glutamic acid 676.
Molecular consequence: frameshift variant.
Genome position (GRCh38, 1-based): chr15:57,282,491, A deleted; the last of 2 consecutive A bases (chr15:57,282,490-57,282,491); deleting either gives the same sequence. VCF-style (leftmost placement, unchanged base first): chr15-57282489-GA-G. GRCh37 (hg19) VCF-style: chr15-57574687-GA-G.
Other names: c.1515del, p.Glu506fs (NM_001306219.3); c.1245del, p.Glu416fs (NM_001306220.3); c.2025del, p.Glu676fs (NM_001322151.2, NM_001322159.3, NM_001322162.2 and 1 more transcripts); c.2022del, p.Glu675fs (NM_001322152.2, NM_001322161.2); c.1368del, p.Glu457fs (NM_001322154.2); c.1953del, p.Glu652fs (NM_207038.2, NM_001322157.3, NM_001322165.2 and 1 more transcripts); c.1443del, p.Glu482fs (NM_207040.2); c.1851del, p.Glu618fs (NM_001322156.2); and 2 more; short protein forms E416fs, E457fs, E482fs, E506fs, E594fs, E618fs, E652fs, E664fs.
Identifiers: ClinVar variation 4534738 (VCV004534738.6).
Genomic context (GRCh38, chr15:57,282,489, plus strand): 5'-TTTCCCCCTGTTTTAGAGAGGAACCTTAACCCCAAAGCAGCCTGCCTTAAGAGAAGGGAA[GA>G]AGAAAAAGTTTCTGCCGTATCGGCAGAGCCGCCAACCACACTGCCAGGAACCCATCCTGG-3'

ClinVar aggregate classification (germline): Uncertain significance (1 of 4 stars; one submission).

Submission:

CeGaT Center for Human Genetics Tuebingen
Classification: Uncertain significance. Last evaluated: 2025-10-01. Review status: criteria provided, single submitter. Criteria: CeGaT Center For Human Genetics Tuebingen Variant Classification Criteria Version 2. Collection method: clinical testing. Allele origin: germline. Affected: yes. Observed: 1 variant allele.
Comment: TCF12: PM2, PVS1:Moderate